The following is an entry in ClinVar:

NM_000548.5(TSC2):c.3643C>G (p.Pro1215Ala)

Gene: TSC2 (TSC complex subunit 2; plus strand). Cytogenetic location: 16p13.3.
Variant type: single nucleotide variant.
Coding change: c.3643C>G on transcript NM_000548.5 (MANE Select); coding-DNA position 3643, C replaced by G.
Protein change: p.Pro1215Ala; replaces proline 1215 with alanine.
Molecular consequence: missense variant.
Genome position (GRCh38, 1-based): chr16:2,081,627, C>G. VCF-style: chr16-2081627-C-G. GRCh37 (hg19) VCF-style: chr16-2131628-C-G.
Other names: c.3511C>G, p.Pro1171Ala (NM_001077183.3, NM_001370404.1); c.3643C>G, p.Pro1215Ala (NM_001114382.3); c.3403C>G, p.Pro1135Ala (NM_001318827.2); c.3367C>G, p.Pro1123Ala (NM_001318829.2); c.2911C>G, p.Pro971Ala (NM_001318831.2); c.3544C>G, p.Pro1182Ala (NM_001318832.2); c.3514C>G, p.Pro1172Ala (NM_001363528.2, NM_001370405.1, NM_021055.3); short protein forms P1215A, P1123A, P1135A, P971A, P1171A, P1172A, P1182A.
Identifiers: ClinVar variation 468031 (VCV000468031.11), dbSNP rs1555512332, ClinGen allele CA394291882.

ClinVar aggregate classification (germline): Uncertain significance. Review status: criteria provided, multiple submitters, no conflicts (2 of 4 stars). 2 submissions from 2 submitters: Uncertain significance (2). Last evaluated 2025-04-20.

Conditions:
Hereditary cancer-predisposing syndrome. Also called: Hereditary neoplastic syndrome; Neoplastic Syndromes, Hereditary; Tumor predisposition; Hereditary Cancer Syndrome. Identifiers: Orphanet 140162, MedGen C0027672, MeSH D009386, MONDO:0015356.
Tuberous sclerosis 2 (TSC2). Identifiers: Orphanet 805, MedGen C1860707, MONDO:0013199, OMIM 613254.

gnomAD v4.1: 1 of 1,612,900 alleles (0.000062%); highest among the groups gnomAD compares: Non-Finnish European, 0.000085%; no homozygotes.

Submissions (2):

Labcorp Genetics (formerly Invitae), Labcorp
Classification: Uncertain significance for Tuberous sclerosis 2. Last evaluated: 2025-04-20. Review status: criteria provided, single submitter. Criteria: Invitae Variant Classification Sherloc (09022015). Collection method: clinical testing. Allele origin: germline.
Comment: This sequence change replaces proline, which is neutral and non-polar, with alanine, which is neutral and non-polar, at codon 1215 of the TSC2 protein (p.Pro1215Ala). This variant is not present in population databases (gnomAD no frequency). This variant has not been reported in the literature in individuals affected with TSC2-related conditions. ClinVar contains an entry for this variant (Variation ID: 468031). Invitae Evidence Modeling of protein sequence and biophysical properties (such as structural, functional, and spatial information, amino acid conservation, physicochemical variation, residue mobility, and thermodynamic stability) indicates that this missense variant is not expected to disrupt TSC2 protein function with a negative predictive value of 95%. In summary, the available evidence is currently insufficient to determine the role of this variant in disease. Therefore, it has been classified as a Variant of Uncertain Significance.

Ambry Genetics
Classification: Uncertain significance for Hereditary cancer-predisposing syndrome. Last evaluated: 2024-12-16. Review status: criteria provided, single submitter. Criteria: Ambry Variant Classification Scheme 2023. Collection method: clinical testing. Allele origin: germline.
Comment: The p.P1215A variant (also known as c.3643C>G), located in coding exon 30 of the TSC2 gene, results from a C to G substitution at nucleotide position 3643. The proline at codon 1215 is replaced by alanine, an amino acid with highly similar properties. This amino acid position is conserved. In addition, this alteration is predicted to be deleterious by in silico analysis. Based on the available evidence, the clinical significance of this variant remains unclear.